The following is an entry in ClinVar:

ClinVar aggregate classification (germline): Uncertain significance. Review status: criteria provided, multiple submitters, no conflicts (2 of 4 stars). 2 submissions from 2 submitters: Uncertain significance (2). Last evaluated 2025-08-21.

Conditions:
Spermatogenic failure 72 (SPGF72). Identifiers: MedGen C5676980, MONDO:0030809, OMIM 619867.
Asphyxiating thoracic dystrophy 5 (SRTD5). Also called: SHORT-RIB THORACIC DYSPLASIA 5 WITH OR WITHOUT POLYDACTYLY; SHORT-RIB THORACIC DYSPLASIA 5 WITHOUT POLYDACTYLY. Identifiers: Orphanet 474, MedGen C3280598, MONDO:0013717, OMIM 614376.
Nephronophthisis 13 (NPHP13). Identifiers: Orphanet 655, MedGen C3280612, MONDO:0013718, OMIM 614377.
Cranioectodermal dysplasia 4 (CED4). Identifiers: Orphanet 1515, MedGen C3280616, MONDO:0013719, OMIM 614378.
Senior-Loken syndrome 8 (SLSN8). Identifiers: Orphanet 3156, MedGen C4225376, MONDO:0014579, OMIM 616307.

Allele frequency attached by ClinVar (database versions not stated): gnomAD exomes below 0.00001.
gnomAD v4.1: 4 of 1,614,006 alleles (0.00025%); highest among the groups gnomAD compares: Non-Finnish European, 0.00025%; no homozygotes.

Submissions (2):

Labcorp Genetics (formerly Invitae), Labcorp
Classification: Uncertain significance for Senior-Loken syndrome 8; Asphyxiating thoracic dystrophy 5. Last evaluated: 2025-08-21. Review status: criteria provided, single submitter. Criteria: Invitae Variant Classification Sherloc (09022015). Collection method: clinical testing. Allele origin: germline.
Comment: This sequence change replaces proline, which is neutral and non-polar, with leucine, which is neutral and non-polar, at codon 1220 of the WDR19 protein (p.Pro1220Leu). This variant is not present in population databases (gnomAD no frequency). This missense change has been observed in individual(s) with clinical features of retinitis pigmentosa (internal data). ClinVar contains an entry for this variant (Variation ID: 960722). Invitae Evidence Modeling of protein sequence and biophysical properties (such as structural, functional, and spatial information, amino acid conservation, physicochemical variation, residue mobility, and thermodynamic stability) has been performed for this missense variant. However, the output from this modeling did not meet the statistical confidence thresholds required to predict the impact of this variant on WDR19 protein function. In summary, the available evidence is currently insufficient to determine the role of this variant in disease. Therefore, it has been classified as a Variant of Uncertain Significance.

Fulgent Genetics
Classification: Uncertain significance for Asphyxiating thoracic dystrophy 5; Nephronophthisis 13; Cranioectodermal dysplasia 4; Senior-Loken syndrome 8; Spermatogenic failure 72. Last evaluated: 2021-09-27. Review status: criteria provided, single submitter. Criteria: ACMG Guidelines, 2015. Collection method: clinical testing. Allele origin: unknown.

NM_025132.4(WDR19):c.3659C>T (p.Pro1220Leu)

Gene: WDR19 (WD repeat domain 19; plus strand). Cytogenetic location: 4p14.
Variant type: single nucleotide variant.
Coding change: c.3659C>T on transcript NM_025132.4 (MANE Select); coding-DNA position 3659, C replaced by T.
Protein change: p.Pro1220Leu; replaces proline 1220 with leucine.
Molecular consequence: missense variant.
Genome position (GRCh38, 1-based): chr4:39,274,901, C>T. VCF-style: chr4-39274901-C-T. GRCh37 (hg19) VCF-style: chr4-39276521-C-T.
Other names: c.3179C>T, p.Pro1060Leu (NM_001317924.2); short protein forms P1220L, P1060L.
Identifiers: ClinVar variation 960722 (VCV000960722.10), dbSNP rs1735748675, ClinGen allele CA356650204.